The following is an entry in ClinVar:

ClinVar aggregate classification (germline): Likely pathogenic (1 of 4 stars; one submission).

Conditions:
Hereditary cancer-predisposing syndrome. Also called: Neoplastic Syndromes, Hereditary; Tumor predisposition; Hereditary Cancer Syndrome; Hereditary neoplastic syndrome. Identifiers: Orphanet 140162, MedGen C0027672, MeSH D009386, MONDO:0015356.

Submission:

Ambry Genetics
Classification: Likely pathogenic for Hereditary cancer-predisposing syndrome. Last evaluated: 2024-10-23. Review status: criteria provided, single submitter. Criteria: Ambry Variant Classification Scheme 2023. Collection method: clinical testing. Allele origin: germline.
Comment: The c.175delT variant, located in coding exon 3 of the XRCC2 gene, results from a deletion of one nucleotide at nucleotide position 175, causing a translational frameshift with a predicted alternate stop codon (p.Y59Ifs*3). This alteration occurs at the 3' terminus of theXRCC2 gene, is not expected to trigger nonsense-mediated mRNA decay, and only impacts the last 220 amino acids of the protein. However, premature stop codons are typically deleterious in nature and a significant portion of the protein is affected (Ambry internal data). This variant was not reported in population-based cohorts in the Genome Aggregation Database (gnomAD). Based on the majority of available evidence to date, this variant is likely to be pathogenic.

NM_005431.2(XRCC2):c.175del (p.Tyr59fs)

Gene: XRCC2 (X-ray repair cross complementing 2; minus strand). Cytogenetic location: 7q36.1.
Variant type: Deletion.
Coding change: c.175del on transcript NM_005431.2 (MANE Select); coding-DNA position 175, one base deleted (T; older notation c.175delT).
Protein change: p.Tyr59fs; shifts the reading frame from tyrosine 59.
Molecular consequence: frameshift variant.
Genome position (GRCh38, 1-based): chr7:152,649,310, A deleted on the plus strand (T on the coding strand, the reverse complement: XRCC2 is on the minus strand); the first of 3 consecutive A bases (chr7:152,649,310-152,649,312); deleting any one gives the same sequence. VCF-style (leftmost placement, unchanged base first): chr7-152649309-TA-T. GRCh37 (hg19) VCF-style: chr7-152346394-TA-T.
Other names: short protein forms Y59fs.
Identifiers: ClinVar variation 1779551 (VCV001779551.3), dbSNP rs2098027525, ClinGen allele CA1753247851.